The following is an entry in ClinVar:

ClinVar aggregate classification (germline): Likely pathogenic (1 of 4 stars; one submission).

Conditions:
PURA-related severe neonatal hypotonia-seizures-encephalopathy syndrome (NEDRIHF). Also called: PURA-Related Neurodevelopmental Disorders; NEURODEVELOPMENTAL DISORDER WITH NEONATAL RESPIRATORY INSUFFICIENCY, HYPOTONIA, AND FEEDING DIFFICULTIES. Identifiers: Orphanet 438213, Orphanet 438216, MedGen C4015357, MONDO:1060108, OMIM 616158, MONDO:0018580.

Submission:

Pittsburgh Clinical Genomics Laboratory, University of Pittsburgh Medical Center
Classification: Likely pathogenic for PURA-related severe neonatal hypotonia-seizures-encephalopathy syndrome. Last evaluated: 2024-06-13. Review status: criteria provided, single submitter. Criteria: ACMG Guidelines, 2015. Collection method: clinical testing. Allele origin: germline. Inheritance: Autosomal dominant inheritance. Affected: yes.
Comment: This sequence variant is a single nucleotide substitution (G>T) at position 580 of the coding sequence of the PURA gene that results in a glycine to tryptophan amino acid change at residue 194 of purine rich element binding protein A. This novel de novo variant is absent from ClinVar, published literature, and the gnomAD v4.1.0 population database (0/~1612000 alleles). Multiple bioinformatic tools predict that this amino acid change would be damaging, and the Gly194 residue at this position is highly conserved across the vertebrate species examined. Studies examining the functional consequence of this variant have not been performed, to our knowledge. Based upon the evidence, we consider this variant to be likely pathogenic. ACMG Criteria: PM2, PP3, PS2

NM_005859.5(PURA):c.580G>T (p.Gly194Trp)

Gene: PURA (purine rich element binding protein A; plus strand). Cytogenetic location: 5q31.3.
Variant type: single nucleotide variant.
Coding change: c.580G>T on transcript NM_005859.5 (MANE Select); coding-DNA position 580, G replaced by T.
Protein change: p.Gly194Trp; replaces glycine 194 with tryptophan.
Molecular consequence: missense variant.
Genome position (GRCh38, 1-based): chr5:140,114,761, G>T. VCF-style: chr5-140114761-G-T. GRCh37 (hg19) VCF-style: chr5-139494346-G-T.
Other names: short protein forms G194W.
Identifiers: ClinVar variation 3376430 (VCV003376430.1).